The following is an entry in ClinVar:

NM_007254.4(PNKP):c.151+205A>C

Gene: PNKP (polynucleotide kinase 3'-phosphatase; minus strand). Cytogenetic location: 19q13.33.
Variant type: single nucleotide variant.
Coding change: c.151+205A>C on transcript NM_007254.4 (MANE Select); 205 bases into the intron after coding-DNA position 151, A replaced by C.
Molecular consequence: intron variant.
Genome position (GRCh38, 1-based): chr19:49,866,849, T>G on the plus strand (A>C on the coding strand, the complement: PNKP is on the minus strand). VCF-style: chr19-49866849-T-G. GRCh37 (hg19) VCF-style: chr19-50370106-T-G.
Identifiers: ClinVar variation 667941 (VCV000667941.4), dbSNP rs2305922, ClinGen allele CA14646121.

ClinVar aggregate classification (germline): Benign. Review status: criteria provided, multiple submitters, no conflicts (2 of 4 stars). 3 submissions from 3 submitters: Benign (3). Last evaluated 2024-07-15.

Allele frequency attached by ClinVar (database versions not stated): gnomAD exomes 0.45111; gnomAD 0.50166 and 0.50177; TOPMed 0.51530; 1000 Genomes Project 30x 0.53326; 1000 Genomes Project 0.53335.
gnomAD v4.1: 293,368 of 632,444 alleles (46%); highest among the groups gnomAD compares: African/African-American, 67%; 70,613 homozygotes.

Submissions (3):

Unidad de Genómica Garrahan, Hospital de Pediatría Garrahan
Classification: Benign. Last evaluated: 2024-07-15. Review status: criteria provided, single submitter. Criteria: ACMG Guidelines, 2015. Collection method: clinical testing. Allele origin: germline. Affected: no. Observed: 57 variant alleles.
Comment: This variant is classified as Benign based on local population frequency. This variant was detected in 61% of patients studied in a panel designed for Epileptic and Developmental Encephalopathy and Progressive Myoclonus Epilepsy. Number of patients: 57. Only high quality variants are reported.

GeneDx
Classification: Benign. Last evaluated: 2018-06-14. Review status: criteria provided, single submitter. Criteria: GeneDx Variant Classification (06012015). Collection method: clinical testing. Allele origin: germline. Affected: yes.
Comment: This variant is considered likely benign or benign based on one or more of the following criteria: it is a conservative change, it occurs at a poorly conserved position in the protein, it is predicted to be benign by multiple in silico algorithms, and/or has population frequency not consistent with disease.

Breakthrough Genomics
Classification: Benign. Review status: criteria provided, single submitter. Criteria: ACMG Guidelines, 2015. Collection method: not provided. Allele origin: germline. Inheritance: Autosomal recessive inheritance. Affected: yes.